The following is an entry in ClinVar:

NM_001122955.4(BSCL2):c.478C>A (p.Arg160Ser)

Genes: BSCL2 (BSCL2 lipid droplet biogenesis associated, seipin; minus strand), HNRNPUL2-BSCL2 (HNRNPUL2-BSCL2 readthrough (NMD candidate); minus strand). Cytogenetic location: 11q12.3.
Variant type: single nucleotide variant.
Coding change: c.478C>A on transcript NM_001122955.4 (MANE Select); coding-DNA position 478, C replaced by A.
Protein change: p.Arg160Ser; replaces arginine 160 with serine.
Molecular consequence: missense variant. On other transcripts: non-coding transcript variant (1).
Genome position (GRCh38, 1-based): chr11:62,702,476, G>T on the plus strand (C>A on the coding strand, the complement: BSCL2 is on the minus strand). VCF-style: chr11-62702476-G-T. GRCh37 (hg19) VCF-style: chr11-62469948-G-T.
Other names: c.478C>A (NM_001122955.3); c.286C>A, p.Arg96Ser (NM_001130702.2, NM_032667.6); c.478C>A, p.Arg160Ser (NM_001386027.1, NM_001386028.1); short protein forms R160S, R96S.
Identifiers: ClinVar variation 641509 (VCV000641509.12), dbSNP rs772536764, ClinGen allele CA380968289.

ClinVar aggregate classification (germline): Uncertain significance. Review status: criteria provided, multiple submitters, no conflicts (2 of 4 stars). 5 submissions from 5 submitters: Uncertain significance (3). 2 of the submissions do not count toward it. Last evaluated 2023-12-29.

Conditions:
Berardinelli-Seip congenital lipodystrophy. Identifiers: Orphanet 528, MedGen CN262437, MONDO:0018883.
Charcot-Marie-Tooth disease. Also called: Charcot-Marie-Tooth Neuropathy; Charcot-Marie-Tooth Hereditary Neuropathy. Identifiers: Orphanet 166, MedGen C0007959, MONDO:0015626.
Charcot-Marie-Tooth disease type 2. Also called: Charcot-Marie-Tooth type 2. Identifiers: Orphanet 64746, MedGen C0270914, MONDO:0018993.
Neuronopathy, distal hereditary motor, type 5C. Also called: NEURONOPATHY, DISTAL HEREDITARY MOTOR, AUTOSOMAL DOMINANT 13; DHMN VC; NEURONOPATHY, DISTAL HEREDITARY MOTOR, HARDING TYPE VC; NEUROPATHY, DISTAL HEREDITARY MOTOR, HARDING TYPE VC; SPINAL MUSCULAR ATROPHY, DISTAL, HARDING TYPE VC. Identifiers: MedGen C5436838, MONDO:0030860, OMIM 619112.

gnomAD v4.1: 12 of 1,611,914 alleles (0.00074%); highest among the groups gnomAD compares: South Asian, 0.0011%; no homozygotes.

Submissions (5):

Athena Diagnostics
Classification: Uncertain significance. Last evaluated: 2023-12-29. Review status: criteria provided, single submitter. Criteria: Athena Diagnostics Criteria. Collection method: clinical testing. Allele origin: unknown.
Comment: Available data are insufficient to determine the clinical significance of the variant at this time. The frequency of this variant in the general population is uninformative in assessment of its pathogenicity. Computational tools predict that this variant is damaging.

Victorian Clinical Genetics Services, Murdoch Childrens Research Institute
Classification: Uncertain significance for Neuronopathy, distal hereditary motor, type 5C. Last evaluated: 2022-06-24. Review status: criteria provided, single submitter. Criteria: ACMG Guidelines, 2015. Collection method: clinical testing. Allele origin: germline. Inheritance: Autosomal dominant inheritance. Affected: yes.
Comment: Based on the classification scheme VCGS_Germline_v1.3.4, this variant is classified as VUS-3A. Following criteria are met: 0103 - Loss of function and gain of function are known mechanisms of disease in this gene. Loss of function has been associated encephalopathy, progressive, with or without lipodystrophy (MIM#615924) and lipodystrophy, congenital generalized, type 2 (MIM#269700). A gain of function mechanism has been associated with neuropathy, distal hereditary motor, type VC (MIM#619112) and Silver spastic paraplegia syndrome (MIM#270685; PMID: 14981520). (I) 0108 - This gene is associated with both recessive and dominant disease. There is emerging evidence of a dominant form of epileptic encephalopathy associated with this gene (PMID: 31369919). (I) 0200 - Variant is predicted to result in a missense amino acid change from arginine to serine. (I) 0251 - This variant is heterozygous. (I) 0304 - Variant is present in gnomAD <0.01 (v2) for a condition (2 heterozygotes, 0 homozygotes). (SP) 0309 - Multiple alternative amino acid changes at the same position have been observed in gnomAD (v2) (highest allele count: 4 heterozygotes, 0 homozygotes). (I) 0501 - Missense variant consistently predicted to be damaging by multiple in silico tools or highly conserved with a major amino acid change. (SP) 0600 - Variant is located in the annotated seipin superfamily domaion (NCBI). (I) 0704 - Another missense variant comparable to the one identified in this case has limited previous evidence for pathogenicity. p.(Arg160His) has been observed in one individual with distal hereditary motor neuropathy (PMID: 26815532). Another comparable missense variant, p.(Arg160Cys), has inconclusive previous evidence for pathogenicity, having been classified as a VUS by a clinical laboratory in ClinVar. (SP) 0809 - Previous evidence of pathogenicity for this variant is inconclusive. This variant has been classified as a VUS by a clinical laboratory in ClinVar. (I) 0905 - No published segregation evidence has been identified for this variant. (I) 1007 - No published functional evidence has been identified for this variant. (I) 1208 - Inheritance information for this variant is not currently available in this individual. (I) Legend: (SP) - Supporting pathogenic, (I) - Information, (SB) - Supporting benign

Labcorp Genetics (formerly Invitae), Labcorp
Classification: Uncertain significance for Charcot-Marie-Tooth disease type 2. Last evaluated: 2022-06-18. Review status: criteria provided, single submitter. Criteria: Invitae Variant Classification Sherloc (09022015). Collection method: clinical testing. Allele origin: germline.
Comment: In summary, the available evidence is currently insufficient to determine the role of this variant in disease. Therefore, it has been classified as a Variant of Uncertain Significance. Algorithms developed to predict the effect of missense changes on protein structure and function (SIFT, PolyPhen-2, Align-GVGD) all suggest that this variant is likely to be disruptive. ClinVar contains an entry for this variant (Variation ID: 641509). This variant has not been reported in the literature in individuals affected with BSCL2-related conditions. This variant is present in population databases (no rsID available, gnomAD 0.003%). This sequence change replaces arginine, which is basic and polar, with serine, which is neutral and polar, at codon 96 of the BSCL2 protein (p.Arg96Ser).

Inherited Neuropathy Consortium Ii, University Of Miami
Classification: Uncertain significance for Berardinelli-Seip congenital lipodystrophy. Last evaluated: 2017-09-28. Review status: no assertion criteria provided. Collection method: literature only. Allele origin: germline. Affected: yes. Not counted in ClinVar's aggregate classification.

Inherited Neuropathy Consortium
Classification: Likely pathogenic for Charcot-Marie-Tooth disease. Review status: no assertion criteria provided. Collection method: provider interpretation. Allele origin: inherited. Affected: yes. Not counted in ClinVar's aggregate classification.

Literature cited by the submitters: PubMed 14981520 (cited by Victorian Clinical Genetics Services, Murdoch Childrens Research Institute); PubMed 26815532 (cited by Victorian Clinical Genetics Services, Murdoch Childrens Research Institute); PubMed 31369919 (cited by Victorian Clinical Genetics Services, Murdoch Childrens Research Institute); PubMed 23989774 (cited by Inherited Neuropathy Consortium Ii, University Of Miami).